The following is an entry in ClinVar:

ClinVar aggregate classification (germline): Benign. Review status: reviewed by expert panel (3 of 4 stars). 4 submissions from 4 submitters: Benign (1). 3 of the submissions do not count toward it. Last evaluated 2026-04-08.

Conditions:
HBA2-related alpha thalassemia spectrum. Identifiers: MedGen CN377749, MONDO:0100562.

Allele frequency attached by ClinVar (database versions not stated): 1000 Genomes Project 30x 0.00312; gnomAD 0.00531; gnomAD exomes 0.00696 and 0.00800; ExAC 0.07143.

Submissions (4):

ClinGen Hemoglobinopathy Variant Curation Expert Panel, ClinGen
Classification: Benign for HBA2-related alpha thalassemia spectrum. Last evaluated: 2026-04-08. Review status: reviewed by expert panel. Criteria: ClinGen Hb Opathy ACMG Specifications HBA2 V1.0.0. Collection method: curation. Allele origin: germline. Inheritance: Autosomal recessive inheritance.
Comment: The c.95+27C>T variant in HBA2 is an intronic variant observed at a Grpmax Filtering AF of 0.01006 in European (non-Finnish) individuals in gnomAD v4.1 [BA1]. The results from two computational predictors CADD (PHRED score 2.068; VCEP threshold ≤11) and SpliceAI (Δ score 0; VCEP threshold ≤0.3), suggest that this variant is not expected to impact HBA2 function [BP4]. In summary, this variant meets criteria to be classified as benign for HBA2-related alpha thalassemia spectrum (MONDO:0100562) in an autosomal recessive manner based on the ACMG/AMP criteria applied, as specified by the ClinGen Hemoglobinopathy VCEP (specification version 1.0.0): BA1, BP4.

Quest Diagnostics Nichols Institute San Juan Capistrano
Classification: Benign. Last evaluated: 2022-04-21. Review status: criteria provided, single submitter. Criteria: Quest Diagnostics criteria. Collection method: clinical testing. Allele origin: unknown. Not counted in ClinVar's aggregate classification.

ARUP Laboratories, Molecular Genetics and Genomics, ARUP Laboratories
Classification: Likely benign. Last evaluated: 2020-01-31. Review status: criteria provided, single submitter. Criteria: ARUP Molecular Germline Variant Investigation Process. Collection method: clinical testing. Allele origin: germline. Not counted in ClinVar's aggregate classification.

Breakthrough Genomics
Classification: Likely benign. Review status: criteria provided, single submitter. Criteria: ACMG Guidelines, 2015. Collection method: not provided. Allele origin: germline. Inheritance: Autosomal dominant inheritance. Affected: yes. Not counted in ClinVar's aggregate classification.

Literature cited by the submitters: PubMed 16503552 (cited by Quest Diagnostics Nichols Institute San Juan Capistrano); PubMed 23402770 (cited by Quest Diagnostics Nichols Institute San Juan Capistrano).

NM_000517.6(HBA2):c.95+27C>T

Genes: HBA2 (hemoglobin subunit alpha 2; plus strand), LOC106804612 (hemoglobin subunit alpha 2 recombination region; plus strand). Cytogenetic location: 16p13.3.
Variant type: single nucleotide variant.
Coding change: c.95+27C>T on transcript NM_000517.6 (MANE Select); 27 bases into the intron after coding-DNA position 95, C replaced by T.
Molecular consequence: intron variant.
Genome position (GRCh38, 1-based): chr16:173,034, C>T. VCF-style: chr16-173034-C-T. GRCh37 (hg19) VCF-style: chr16-223033-C-T.
Identifiers: ClinVar variation 439773 (VCV000439773.14), dbSNP rs558457816, ClinGen allele CA7770108.
Genomic context (GRCh38, chr16:173,034, plus strand): 5'-ACGCTGGCGAGTATGGTGCGGAGGCCCTGGAGAGGTGAGGCTCCCTCCCCTGCTCCGACC[C>T]GGGCTCCTCGCCCGCCCGGACCCACAGGCCACCCTCAACCGTCCTGGCCCCGGACCCAAA-3'